The following is an entry in ClinVar:

ClinVar aggregate classification (germline): Uncertain significance. Review status: criteria provided, multiple submitters, no conflicts (2 of 4 stars). 3 submissions from 3 submitters: Uncertain significance (3). Last evaluated 2024-12-12.

Conditions:
Inborn genetic diseases. Identifiers: MedGen C0950123, MeSH D030342.

Allele frequency attached by ClinVar (database versions not stated): TOPMed 0.00001.
gnomAD v4.1: 21 of 1,614,074 alleles (0.0013%); highest among the groups gnomAD compares: Non-Finnish European, 0.0018%; no homozygotes.

Submissions (3):

Ambry Genetics
Classification: Uncertain significance for Inborn genetic diseases. Last evaluated: 2024-12-12. Review status: criteria provided, single submitter. Criteria: Ambry Variant Classification Scheme 2023. Collection method: clinical testing. Allele origin: germline.

Labcorp Genetics (formerly Invitae), Labcorp
Classification: Uncertain significance. Last evaluated: 2022-07-19. Review status: criteria provided, single submitter. Criteria: Invitae Variant Classification Sherloc (09022015). Collection method: clinical testing. Allele origin: germline.
Comment: ClinVar contains an entry for this variant (Variation ID: 964670). This variant has not been reported in the literature in individuals affected with AGBL5-related conditions. Algorithms developed to predict the effect of missense changes on protein structure and function are either unavailable or do not agree on the potential impact of this missense change (SIFT: "Tolerated"; PolyPhen-2: "Probably Damaging"; Align-GVGD: "Class C0"). In summary, the available evidence is currently insufficient to determine the role of this variant in disease. Therefore, it has been classified as a Variant of Uncertain Significance. This sequence change replaces phenylalanine, which is neutral and non-polar, with leucine, which is neutral and non-polar, at codon 284 of the AGBL5 protein (p.Phe284Leu). This variant is present in population databases (rs373322749, gnomAD 0.0009%).

Blueprint Genetics
Classification: Uncertain significance. Last evaluated: 2019-03-13. Review status: criteria provided, single submitter. Criteria: ACMG Guidelines, 2015. Collection method: clinical testing. Allele origin: germline.

NM_021831.6(AGBL5):c.852C>G (p.Phe284Leu)

Gene: AGBL5 (AGBL carboxypeptidase 5; plus strand). Cytogenetic location: 2p23.3.
Variant type: single nucleotide variant.
Coding change: c.852C>G on transcript NM_021831.6 (MANE Select); coding-DNA position 852, C replaced by G.
Protein change: p.Phe284Leu; replaces phenylalanine 284 with leucine.
Molecular consequence: missense variant. On other transcripts: non-coding transcript variant (2).
Genome position (GRCh38, 1-based): chr2:27,055,197, C>G. VCF-style: chr2-27055197-C-G. GRCh37 (hg19) VCF-style: chr2-27278065-C-G.
Other names: c.852C>G, p.Phe284Leu (NM_001035507.3); short protein forms F284L.
Identifiers: ClinVar variation 964670 (VCV000964670.11), dbSNP rs373322749, ClinGen allele CA1567742.